The following is an entry in ClinVar:

ClinVar aggregate classification (germline): Uncertain significance. Review status: criteria provided, multiple submitters, no conflicts (2 of 4 stars). 2 submissions from 2 submitters: Uncertain significance (2). Last evaluated 2025-04-04.

Conditions:
Methylcobalamin deficiency type cblE (HMAE). Also called: VITAMIN B12-RESPONSIVE HOMOCYSTINURIA, cblE TYPE; HOMOCYSTINURIA-MEGALOBLASTIC ANEMIA, cblE TYPE; HOMOCYSTINURIA-MEGALOBLASTIC ANEMIA, cblE COMPLEMENTATION TYPE. Identifiers: Orphanet 2169, Orphanet 622, MedGen C1856057, MONDO:0009354, OMIM 236270.
Inborn genetic diseases. Identifiers: MedGen C0950123, MeSH D030342.

gnomAD v4.1: 12 of 1,614,144 alleles (0.00074%); highest among the groups gnomAD compares: African/African-American, 0.013%; no homozygotes.

Submissions (2):

Ambry Genetics
Classification: Uncertain significance for Inborn genetic diseases. Last evaluated: 2025-04-04. Review status: criteria provided, single submitter. Criteria: Ambry Variant Classification Scheme 2023. Collection method: clinical testing. Allele origin: germline.

Labcorp Genetics (formerly Invitae), Labcorp
Classification: Uncertain significance for Methylcobalamin deficiency type cblE. Last evaluated: 2024-11-05. Review status: criteria provided, single submitter. Criteria: Invitae Variant Classification Sherloc (09022015). Collection method: clinical testing. Allele origin: germline.
Comment: This sequence change replaces lysine, which is basic and polar, with glutamine, which is neutral and polar, at codon 291 of the MTRR protein (p.Lys291Gln). This variant is present in population databases (rs138790346, gnomAD 0.02%). This variant has not been reported in the literature in individuals affected with MTRR-related conditions. Invitae Evidence Modeling of protein sequence and biophysical properties (such as structural, functional, and spatial information, amino acid conservation, physicochemical variation, residue mobility, and thermodynamic stability) indicates that this missense variant is not expected to disrupt MTRR protein function with a negative predictive value of 80%. In summary, the available evidence is currently insufficient to determine the role of this variant in disease. Therefore, it has been classified as a Variant of Uncertain Significance.

NM_002454.3(MTRR):c.871A>C (p.Lys291Gln)

Gene: MTRR (5-methyltetrahydrofolate-homocysteine methyltransferase reductase; plus strand). Cytogenetic location: 5p15.31.
Variant type: single nucleotide variant.
Coding change: c.871A>C on transcript NM_002454.3 (MANE Select); coding-DNA position 871, A replaced by C.
Protein change: p.Lys291Gln; replaces lysine 291 with glutamine.
Molecular consequence: missense variant. On other transcripts: non-coding transcript variant (14).
Genome position (GRCh38, 1-based): chr5:7,883,245, A>C. VCF-style: chr5-7883245-A-C. GRCh37 (hg19) VCF-style: chr5-7883358-A-C.
Other names: c.871A>C, p.Lys291Gln (NM_001364440.2, NM_001364441.2, NM_001364442.2 and 1 more transcripts); c.871A>C (NM_002454.2); short protein forms K291Q.
Identifiers: ClinVar variation 3672272 (VCV003672272.2).